The following is an entry in ClinVar:

NM_004606.5(TAF1):c.87C>G (p.Ala29=)

Gene: TAF1 (TATA-box binding protein associated factor 1; plus strand). Cytogenetic location: Xq13.1.
Variant type: single nucleotide variant.
Coding change: c.87C>G on transcript NM_004606.5 (MANE Select); coding-DNA position 87, C replaced by G.
Protein change: p.Ala29=; no amino-acid change (alanine 29 retained).
Molecular consequence: synonymous variant. On other transcripts: non-coding transcript variant (9).
Genome position (GRCh38, 1-based): chrX:71,366,461, C>G. VCF-style: chrX-71366461-C-G. GRCh37 (hg19) VCF-style: chrX-70586311-C-G.
Other names: p.Ala49=; c.87C>G, p.Ala29= (NM_001286074.2, NM_138923.4); c.147C>G (NM_001286074.1).
Identifiers: ClinVar variation 695433 (VCV000695433.16), dbSNP rs28382145, ClinGen allele CA10446493.
Genomic context (GRCh38, chrX:71,366,461, plus strand): 5'-TTCCGCTGGAGGCGGCCCATTTTCTTTAGCGGGTTTCCTTTTCGGCAACATCAATGGAGC[C>G]GGGCAGCTGGAGGGGGAAAGCGTCTTGGATGATGTGAGGGGGTGGGCGTGGGGGTAGGGC-3'
Protein context (NP_004597.3, residues 19-39): AGFLFGNING[Ala29=]GQLEGESVLD

ClinVar aggregate classification (germline): Benign/Likely benign. Review status: criteria provided, multiple submitters, no conflicts (2 of 4 stars). 7 submissions from 7 submitters: Benign (3); Likely benign (1). 3 of the submissions do not count toward it. Last evaluated 2026-01-26.

Conditions:
TAF1-related disorder. Also called: TAF1-related condition.

Allele frequency attached by ClinVar (database versions not stated): 1000 Genomes Project 30x 0.00083; 1000 Genomes Project 0.00106; ESP Exome Variant Server 0.00379; ExAC 0.00422; gnomAD exomes 0.00443 and 0.00625; gnomAD 0.00668.
gnomAD v4.1: 5,899 of 941,126 alleles (0.63%); highest among the groups gnomAD compares: Non-Finnish European, 0.64%; 17 homozygotes.

Submissions (7):

Labcorp Genetics (formerly Invitae), Labcorp
Classification: Benign. Last evaluated: 2026-01-26. Review status: criteria provided, single submitter. Criteria: Invitae Variant Classification Sherloc (09022015). Collection method: clinical testing. Allele origin: germline.

Mayo Clinic Laboratories, Mayo Clinic
Classification: Benign. Last evaluated: 2025-06-23. Review status: criteria provided, single submitter. Criteria: ACMG Guidelines, 2015. Collection method: clinical testing. Allele origin: germline. Observed: 4 variant alleles.
Comment: BS1, BS2, BP4, BP7

Blueprint Genetics
Classification: Likely benign. Last evaluated: 2024-11-07. Review status: criteria provided, single submitter. Criteria: ACMG Guidelines, 2015. Collection method: clinical testing. Allele origin: germline.

Breakthrough Genomics
Classification: Benign. Review status: criteria provided, single submitter. Criteria: ACMG Guidelines, 2015. Collection method: not provided. Allele origin: germline. Inheritance: X-linked inheritance. Affected: yes.

PreventionGenetics, part of Exact Sciences
Classification: Benign for TAF1-related condition. Last evaluated: 2019-07-08. Review status: no assertion criteria provided. Collection method: clinical testing. Allele origin: germline. Not counted in ClinVar's aggregate classification.
Comment: This variant is classified as benign based on ACMG/AMP sequence variant interpretation guidelines (Richards et al. 2015 PMID: 25741868, with internal and published modifications).

Clinical Genetics DNA and cytogenetics Diagnostics Lab, Erasmus MC, Erasmus Medical Center
Classification: Likely benign. Review status: no assertion criteria provided. Collection method: clinical testing. Allele origin: germline. Affected: yes. Study: VKGL Data-share Consensus. Not counted in ClinVar's aggregate classification.

Genome Diagnostics Laboratory, Amsterdam University Medical Center
Classification: Likely benign. Review status: no assertion criteria provided. Collection method: clinical testing. Allele origin: germline. Affected: yes. Study: VKGL Data-share Consensus. Not counted in ClinVar's aggregate classification.